The following is an entry in ClinVar:

ClinVar aggregate classification (germline): Benign/Likely benign. Review status: criteria provided, multiple submitters, no conflicts (2 of 4 stars). 6 submissions from 6 submitters: Benign (3); Likely benign (2). 1 of the submissions does not count toward it. Last evaluated 2026-08-01.

Conditions:
CHD2-related disorder. Also called: CHD2-related condition.
Developmental and epileptic encephalopathy 94 (DEE94). Also called: Epileptic encephalopathy, childhood-onset; CHD2-Related Neurodevelopmental Disorders. Identifiers: Orphanet 1942, Orphanet 2382, MedGen C3809278, MONDO:0014150, OMIM 615369.

Allele frequency attached by ClinVar (database versions not stated): gnomAD exomes 0.00093; ExAC 0.00114; gnomAD 0.00313 and 0.00325; ESP Exome Variant Server 0.00323; 1000 Genomes Project 30x 0.00328; 1000 Genomes Project 0.00359; TOPMed 0.00368.
gnomAD v4.1: 965 of 1,580,670 alleles (0.061%); highest among the groups gnomAD compares: African/African-American, 0.98%; 2 homozygotes.

Submissions (6):

CeGaT Center for Human Genetics Tuebingen
Classification: Likely benign. Last evaluated: 2026-08-01. Review status: criteria provided, single submitter. Criteria: CeGaT Center For Human Genetics Tuebingen Variant Classification Criteria Version 2. Collection method: clinical testing. Allele origin: germline. Affected: yes. Observed: 7 variant alleles.
Comment: CHD2: BP4, BS1

Labcorp Genetics (formerly Invitae), Labcorp
Classification: Benign for Developmental and epileptic encephalopathy 94. Last evaluated: 2026-02-03. Review status: criteria provided, single submitter. Criteria: Invitae Variant Classification Sherloc (09022015). Collection method: clinical testing. Allele origin: germline.

Blueprint Genetics
Classification: Likely benign. Last evaluated: 2024-11-13. Review status: criteria provided, single submitter. Criteria: ACMG Guidelines, 2015. Collection method: clinical testing. Allele origin: germline.

Athena Diagnostics
Classification: Benign. Last evaluated: 2018-12-31. Review status: criteria provided, single submitter. Criteria: Athena Diagnostics Criteria. Collection method: clinical testing. Allele origin: germline.

GeneDx
Classification: Benign. Last evaluated: 2016-04-05. Review status: criteria provided, single submitter. Criteria: GeneDx Variant Classification (06012015). Collection method: clinical testing. Allele origin: germline. Affected: yes.
Comment: This variant is considered likely benign or benign based on one or more of the following criteria: it is a conservative change, it occurs at a poorly conserved position in the protein, it is predicted to be benign by multiple in silico algorithms, and/or has population frequency not consistent with disease.

PreventionGenetics, part of Exact Sciences
Classification: Benign for CHD2-related condition. Last evaluated: 2022-10-12. Review status: no assertion criteria provided. Collection method: clinical testing. Allele origin: germline. Not counted in ClinVar's aggregate classification.
Comment: This variant is classified as benign based on ACMG/AMP sequence variant interpretation guidelines (Richards et al. 2015 PMID: 25741868, with internal and published modifications).

NM_001271.4(CHD2):c.4138-6T>C

Gene: CHD2 (chromodomain helicase DNA binding protein 2; plus strand). Cytogenetic location: 15q26.1.
Variant type: single nucleotide variant.
Coding change: c.4138-6T>C on transcript NM_001271.4 (MANE Select); 6 bases into the intron before coding-DNA position 4138, T replaced by C.
Molecular consequence: intron variant.
Genome position (GRCh38, 1-based): chr15:93,002,171, T>C. VCF-style: chr15-93002171-T-C. GRCh37 (hg19) VCF-style: chr15-93545401-T-C.
Identifiers: ClinVar variation 384175 (VCV000384175.42), dbSNP rs182330071, ClinGen allele CA7748396.